The following is an entry in ClinVar:

ClinVar aggregate classification (germline): Uncertain significance. Review status: criteria provided, multiple submitters, no conflicts (2 of 4 stars). 2 submissions from 2 submitters: Uncertain significance (2). Last evaluated 2025-12-10.

Conditions:
Inborn genetic diseases. Identifiers: MedGen C0950123, MeSH D030342.

Submissions (2):

Ambry Genetics
Classification: Uncertain significance for Inborn genetic diseases. Last evaluated: 2025-12-10. Review status: criteria provided, single submitter. Criteria: Ambry Variant Classification Scheme 2023. Collection method: clinical testing. Allele origin: germline.

Labcorp Genetics (formerly Invitae), Labcorp
Classification: Uncertain significance. Last evaluated: 2024-05-15. Review status: criteria provided, single submitter. Criteria: Invitae Variant Classification Sherloc (09022015). Collection method: clinical testing. Allele origin: germline.
Comment: This sequence change replaces threonine, which is neutral and polar, with isoleucine, which is neutral and non-polar, at codon 1691 of the CAD protein (p.Thr1691Ile). This variant is present in population databases (rs201445601, gnomAD 0.004%). This variant has not been reported in the literature in individuals affected with CAD-related conditions. ClinVar contains an entry for this variant (Variation ID: 1968129). An algorithm developed to predict the effect of missense changes on protein structure and function (PolyPhen-2) suggests that this variant is likely to be tolerated. In summary, the available evidence is currently insufficient to determine the role of this variant in disease. Therefore, it has been classified as a Variant of Uncertain Significance.

NM_004341.5(CAD):c.5072C>T (p.Thr1691Ile)

Gene: CAD (carbamoyl-phosphate synthetase 2, aspartate transcarbamylase, and dihydroorotase; plus strand). Cytogenetic location: 2p23.3.
Variant type: single nucleotide variant.
Coding change: c.5072C>T on transcript NM_004341.5 (MANE Select); coding-DNA position 5072, C replaced by T.
Protein change: p.Thr1691Ile; replaces threonine 1691 with isoleucine.
Molecular consequence: missense variant.
Genome position (GRCh38, 1-based): chr2:27,239,051, C>T. VCF-style: chr2-27239051-C-T. GRCh37 (hg19) VCF-style: chr2-27461919-C-T.
Other names: c.5072C>T (NM_004341.3); c.4883C>T, p.Thr1628Ile (NM_001306079.2); short protein forms T1628I, T1691I.
Identifiers: ClinVar variation 1968129 (VCV001968129.5), dbSNP rs201445601, ClinGen allele CA44515377.